The following is an entry in ClinVar:

ClinVar aggregate classification (germline): Benign. Review status: criteria provided, multiple submitters, no conflicts (2 of 4 stars). 2 submissions from 2 submitters: Benign (2). Last evaluated 2021-02-23.

Allele frequency attached by ClinVar (database versions not stated): 1000 Genomes Project 30x 0.38601; 1000 Genomes Project 0.39237; TOPMed 0.42345; gnomAD 0.43202 and 0.43695; gnomAD exomes 0.53978.

Submissions (2):

GeneDx
Classification: Benign. Last evaluated: 2021-02-23. Review status: criteria provided, single submitter. Criteria: GeneDx Variant Classification Process June 2021. Collection method: clinical testing. Allele origin: germline. Affected: yes.
Comment: This variant is associated with the following publications: (PMID: 28171541)

Breakthrough Genomics
Classification: Benign. Review status: criteria provided, single submitter. Criteria: ACMG Guidelines, 2015. Collection method: not provided. Allele origin: germline. Inheritance: Unknown mechanism. Affected: yes.

NM_024744.17(CARF):c.*377G>A

Gene: CARF (calcium responsive transcription factor; plus strand). Cytogenetic location: 2q33.2.
Variant type: single nucleotide variant.
Coding change: c.*377G>A on transcript NM_024744.17 (MANE Select); 377 bases downstream of the stop codon, G replaced by A.
Molecular consequence: 3 prime UTR variant. On other transcripts: non-coding transcript variant (4).
Genome position (GRCh38, 1-based): chr2:202,984,001, G>A. VCF-style: chr2-202984001-G-A. GRCh37 (hg19) VCF-style: chr2-203848724-G-A.
Other names: c.*377G>A (NM_001104586.4, NM_001282910.3, NM_001282911.3 and 7 more transcripts); c.*463G>A (NM_001352677.2).
Identifiers: ClinVar variation 1241701 (VCV001241701.3), dbSNP rs62183749, ClinGen allele CA15227498.